The following is an entry in ClinVar:

NM_182961.4(SYNE1):c.22219G>A (p.Ala7407Thr)

Gene: SYNE1 (spectrin repeat containing nuclear envelope protein 1; minus strand). Cytogenetic location: 6q25.2.
Variant type: single nucleotide variant.
Coding change: c.22219G>A on transcript NM_182961.4 (MANE Select); coding-DNA position 22219, G replaced by A.
Protein change: p.Ala7407Thr; replaces alanine 7407 with threonine.
Molecular consequence: missense variant.
Genome position (GRCh38, 1-based): chr6:152,215,033, C>T on the plus strand (G>A on the coding strand, the complement: SYNE1 is on the minus strand). VCF-style: chr6-152215033-C-T. GRCh37 (hg19) VCF-style: chr6-152536168-C-T.
Other names: p.Ala7336Thr; c.22006G>A (NM_033071.3); c.22006G>A, p.Ala7336Thr (NM_033071.5); short protein forms A7407T, A7336T.
Identifiers: ClinVar variation 284477 (VCV000284477.11), dbSNP rs575637225, ClinGen allele CA4053929.
Genomic context (GRCh38, chr6:152,215,033, plus strand): 5'-TTTCCTTATCATTCAAGGGTAACCTATATCCAAGCTCATTTAGACGGTCTAAATCTGGAG[C>T]CATGCTGCTGAATTTTAACATCTGTCCCTAGAAGGAAGATTTAAAAGTAGGTTTAGCACC-3'
Protein context (NP_892006.3, residues 7397-7417): KGQMLKFSSM[Ala7407Thr]PDLDRLNELG

ClinVar aggregate classification (germline): Uncertain significance. Review status: criteria provided, multiple submitters, no conflicts (2 of 4 stars). 5 submissions from 5 submitters: Uncertain significance (5). Last evaluated 2025-10-06.

Allele frequency attached by ClinVar (database versions not stated): ExAC 0.00002; gnomAD 0.00006 and 0.00005; gnomAD exomes 0.00003 and 0.00007; TOPMed 0.00003.
gnomAD v4.1: 102 of 1,613,948 alleles (0.0063%); highest among the groups gnomAD compares: Non-Finnish European, 0.0082%; no homozygotes.

Submissions (5):

Mayo Clinic Laboratories, Mayo Clinic
Classification: Uncertain significance. Last evaluated: 2025-10-06. Review status: criteria provided, single submitter. Criteria: ACMG Guidelines, 2015. Collection method: clinical testing. Allele origin: germline. Observed: 1 variant allele.
Comment: BP4_moderate

Women's Health and Genetics/Laboratory Corporation of America, LabCorp
Classification: Uncertain significance. Last evaluated: 2024-10-17. Review status: criteria provided, single submitter. Criteria: LabCorp Variant Classification Summary - May 2015. Collection method: clinical testing. Allele origin: germline.
Comment: Variant summary: SYNE1 c.22006G>A (p.Ala7336Thr) results in a non-conservative amino acid change in the encoded protein sequence. Three of five in-silico tools predict a damaging effect of the variant on protein function. The variant allele was found at a frequency of 2.8e-05 in 251284 control chromosomes (gnomAD). The available data on variant occurrences in the general population are insufficient to allow any conclusion about variant significance. To our knowledge, no occurrence of c.22006G>A in individuals affected with Autosomal recessive ataxia, Beauce type and no experimental evidence demonstrating its impact on protein function have been reported. ClinVar contains an entry for this variant (Variation ID: 284477). Based on the evidence outlined above, the variant was classified as uncertain significance.

Revvity Omics, Revvity
Classification: Uncertain significance. Last evaluated: 2019-08-30. Review status: criteria provided, single submitter. Criteria: ACMG Guidelines, 2015. Collection method: clinical testing. Allele origin: germline.

Athena Diagnostics
Classification: Uncertain significance. Last evaluated: 2018-08-21. Review status: criteria provided, single submitter. Criteria: Athena Diagnostics Criteria. Collection method: clinical testing. Allele origin: germline.

Eurofins Ntd Llc (ga)
Classification: Uncertain significance. Last evaluated: 2016-01-25. Review status: criteria provided, single submitter. Criteria: EGL Classification Definitions 2015. Collection method: clinical testing. Allele origin: germline. Observed: 1 variant allele, 1 heterozygote.